The following is an entry in ClinVar:

ClinVar aggregate classification (germline): Likely benign (1 of 4 stars; one submission).

Allele frequency attached by ClinVar (database versions not stated): gnomAD 0.00001; TOPMed 0.00001.

Submission:

GeneDx
Classification: Likely benign. Last evaluated: 2022-02-21. Review status: criteria provided, single submitter. Criteria: GeneDx Variant Classification Process June 2021. Collection method: clinical testing. Allele origin: germline. Affected: yes.
Comment: Not observed in large population cohorts (gnomAD); In silico analysis supports that this missense variant does not alter protein structure/function; Has not been previously published as pathogenic or benign to our knowledge

NM_001372044.2(SHANK3):c.3196G>A (p.Gly1066Ser)

Gene: SHANK3 (SH3 and multiple ankyrin repeat domains 3; plus strand). Cytogenetic location: 22q13.33.
Variant type: single nucleotide variant.
Coding change: c.3196G>A on transcript NM_001372044.2 (MANE Select); coding-DNA position 3196, G replaced by A.
Protein change: p.Gly1066Ser; replaces glycine 1066 with serine.
Molecular consequence: missense variant.
Genome position (GRCh38, 1-based): chr22:50,720,804, G>A. VCF-style: chr22-50720804-G-A. GRCh37 (hg19) VCF-style: chr22-51159232-G-A.
Other names: c.2971G>A (NM_033517.1); short protein forms G1066S.
Identifiers: ClinVar variation 1342065 (VCV001342065.2), dbSNP rs900070859, ClinGen allele CA325578304.